The following is an entry in ClinVar:

ClinVar aggregate classification (germline): Likely benign (0 of 4 stars; one submission).

Conditions:
CGNL1-related disorder. Also called: CGNL1-related condition.

gnomAD v4.1: 6 of 1,613,330 alleles (0.00037%); highest among the groups gnomAD compares: Non-Finnish European, 0.00051%; no homozygotes.

Submission:

PreventionGenetics, part of Exact Sciences
Classification: Likely benign for CGNL1-related condition. Last evaluated: 2019-03-14. Review status: no assertion criteria provided. Collection method: clinical testing. Allele origin: germline.
Comment: This variant is classified as likely benign based on ACMG/AMP sequence variant interpretation guidelines (Richards et al. 2015 PMID: 25741868, with internal and published modifications).

NM_032866.5(CGNL1):c.2527C>A (p.Arg843=)

Gene: CGNL1 (cingulin like 1; plus strand). Cytogenetic location: 15q21.3.
Variant type: single nucleotide variant.
Coding change: c.2527C>A on transcript NM_032866.5 (MANE Select); coding-DNA position 2527, C replaced by A.
Protein change: p.Arg843=; no amino-acid change (arginine 843 retained).
Molecular consequence: synonymous variant.
Genome position (GRCh38, 1-based): chr15:57,516,903, C>A. VCF-style: chr15-57516903-C-A. GRCh37 (hg19) VCF-style: chr15-57809101-C-A.
Other names: c.2527C>A, p.Arg843= (NM_001252335.2).
Identifiers: ClinVar variation 3057721 (VCV003057721.2), dbSNP rs200180268, ClinGen allele CA7582190.